The following is an entry in ClinVar:

ClinVar aggregate classification (germline): Uncertain significance (1 of 4 stars; one submission).

Conditions:
Nephronophthisis. Also called: Juvenile Nephronophthisis. Identifiers: Orphanet 655, MedGen C0687120, MONDO:0019005, HP:0000090.

Allele frequency attached by ClinVar (database versions not stated): gnomAD exomes below 0.00001; TOPMed below 0.00001; gnomAD 0.00001.
gnomAD v4.1: 3 of 1,567,824 alleles (0.00019%); highest among the groups gnomAD compares: Non-Finnish European, 0.00026%; no homozygotes.

Submission:

Labcorp Genetics (formerly Invitae), Labcorp
Classification: Uncertain significance for Nephronophthisis. Last evaluated: 2024-02-12. Review status: criteria provided, single submitter. Criteria: Invitae Variant Classification Sherloc (09022015). Collection method: clinical testing. Allele origin: germline.
Comment: This sequence change replaces serine, which is neutral and polar, with glycine, which is neutral and non-polar, at codon 937 of the NPHP4 protein (p.Ser937Gly). The frequency data for this variant in the population databases is considered unreliable, as metrics indicate poor data quality at this position in the gnomAD database. This variant has not been reported in the literature in individuals affected with NPHP4-related conditions. ClinVar contains an entry for this variant (Variation ID: 2172952). Advanced modeling of protein sequence and biophysical properties (such as structural, functional, and spatial information, amino acid conservation, physicochemical variation, residue mobility, and thermodynamic stability) performed at Invitae indicates that this missense variant is not expected to disrupt NPHP4 protein function with a negative predictive value of 80%. Algorithms developed to predict the effect of sequence changes on RNA splicing suggest that this variant may disrupt the consensus splice site. In summary, the available evidence is currently insufficient to determine the role of this variant in disease. Therefore, it has been classified as a Variant of Uncertain Significance.

NM_015102.5(NPHP4):c.2809A>G (p.Ser937Gly)

Gene: NPHP4 (nephrocystin 4; minus strand). Cytogenetic location: 1p36.31.
Variant type: single nucleotide variant.
Coding change: c.2809A>G on transcript NM_015102.5 (MANE Select); coding-DNA position 2809, A replaced by G.
Protein change: p.Ser937Gly; replaces serine 937 with glycine.
Molecular consequence: missense variant. On other transcripts: non-coding transcript variant (1).
Genome position (GRCh38, 1-based): chr1:5,877,101, T>C on the plus strand (A>G on the coding strand, the complement: NPHP4 is on the minus strand). VCF-style: chr1-5877101-T-C. GRCh37 (hg19) VCF-style: chr1-5937161-T-C.
Other names: c.1270A>G, p.Ser424Gly (NM_001291593.2); c.1273A>G, p.Ser425Gly (NM_001291594.2); short protein forms S424G, S425G, S937G.
Identifiers: ClinVar variation 2172952 (VCV002172952.3), dbSNP rs1234195236, ClinGen allele CA338057178.